The following is an entry in ClinVar:

ClinVar aggregate classification (germline): Pathogenic/Likely pathogenic. Review status: criteria provided, multiple submitters, no conflicts (2 of 4 stars). 3 submissions from 3 submitters: Pathogenic (2); Likely pathogenic (1). Last evaluated 2025-09-01.

Conditions:
Autosomal recessive nonsyndromic hearing loss 77. Identifiers: Orphanet 90636, MedGen C2746083, MONDO:0013119, OMIM 613079.

Submissions (3):

Natera, Inc.
Classification: Likely pathogenic for Autosomal recessive deafness type 77. Last evaluated: 2025-09-01. Review status: criteria provided, single submitter. Criteria: Natera Variant Classification Schema (03/2026). Collection method: clinical testing. Allele origin: germline.
Comment: The c.4595_4605del variant in LOXHD1 is a frameshift variant predicted to shift the reading frame beginning at codon 1532 and leads to a stop codon 15 codons downstream. This variant is expected to result in nonsense mediated decay, truncation, or a dysfunctional protein product. This variant is rare in the general population with a frequency below the threshold expected for the associated phenotype(s). Given the available evidence, this variant is classified as Likely Pathogenic.

Institute of Rare Diseases, West China Hospital, Sichuan University
Classification: Pathogenic for Autosomal recessive nonsyndromic hearing loss 77. Last evaluated: 2025-01-09. Review status: criteria provided, single submitter. Criteria: ClinGen HL ACMG Specifications v1. Collection method: research. Allele origin: germline. Affected: yes.
Comment: PVS1;PM3_Supporting;PM2_Supporting

Labcorp Genetics (formerly Invitae), Labcorp
Classification: Pathogenic. Last evaluated: 2024-02-19. Review status: criteria provided, single submitter. Criteria: Invitae Variant Classification Sherloc (09022015). Collection method: clinical testing. Allele origin: germline.
Comment: This sequence change creates a premature translational stop signal (p.Asp1532Valfs*15) in the LOXHD1 gene. It is expected to result in an absent or disrupted protein product. Loss-of-function variants in LOXHD1 are known to be pathogenic (PMID: 19732867, 21465660, 25792669). This variant is not present in population databases (gnomAD no frequency). This variant has not been reported in the literature in individuals affected with LOXHD1-related conditions. For these reasons, this variant has been classified as Pathogenic.

Literature cited by the submitters: PubMed 19732867 (cited by Labcorp Genetics (formerly Invitae), Labcorp); PubMed 21465660 (cited by Labcorp Genetics (formerly Invitae), Labcorp); PubMed 25792669 (cited by Labcorp Genetics (formerly Invitae), Labcorp).

NM_001384474.1(LOXHD1):c.4595_4605del (p.Asp1532fs)

Gene: LOXHD1 (lipoxygenase homology PLAT domains 1; minus strand). Cytogenetic location: 18q21.1.
Variant type: Deletion.
Coding change: c.4595_4605del on transcript NM_001384474.1 (MANE Select); coding-DNA positions 4595 to 4605, 11 bases deleted (ACAACTCCAAG).
Protein change: p.Asp1532fs; shifts the reading frame from aspartic acid 1532.
Molecular consequence: frameshift variant.
Genome position (GRCh38, 1-based): chr18:46,524,843-46,524,853, CTTGGAGTTGT deleted on the plus strand (ACAACTCCAAG on the coding strand, the reverse complement: LOXHD1 is on the minus strand); deleting any 11 consecutive bases within chr18:46,524,843-46,524,854 gives the same sequence; the c. name uses the placement nearest the transcript's 3' end. VCF-style (leftmost placement, unchanged base first): chr18-46524842-ACTTGGAGTTGT-A. GRCh37 (hg19) VCF-style: chr18-44104805-ACTTGGAGTTGT-A.
Other names: c.1262_1272del, p.Asp421fs (NM_001145472.3); c.974_984del, p.Asp325fs (NM_001308013.2); c.4595_4605del, p.Asp1532fs (NM_144612.7); c.4595_4605del (NM_144612.6); short protein forms D1532fs, D325fs, D421fs.
Identifiers: ClinVar variation 3601204 (VCV003601204.4).